The following is an entry in ClinVar:

NM_014855.3(AP5Z1):c.1168C>G (p.Gln390Glu)

Gene: AP5Z1 (adaptor related protein complex 5 subunit zeta 1; plus strand). Cytogenetic location: 7p22.1.
Variant type: single nucleotide variant.
Coding change: c.1168C>G on transcript NM_014855.3 (MANE Select); coding-DNA position 1168, C replaced by G.
Protein change: p.Gln390Glu; replaces glutamine 390 with glutamic acid.
Molecular consequence: missense variant. On other transcripts: non-coding transcript variant (1).
Genome position (GRCh38, 1-based): chr7:4,786,285, C>G. VCF-style: chr7-4786285-C-G. GRCh37 (hg19) VCF-style: chr7-4825916-C-G.
Other names: c.700C>G, p.Gln234Glu (NM_001364858.1); c.1168C>G (NM_014855.2); short protein forms Q234E, Q390E.
Identifiers: ClinVar variation 2146462 (VCV002146462.6), dbSNP rs377565484, ClinGen allele CA4137670.

ClinVar aggregate classification (germline): Uncertain significance. Review status: criteria provided, multiple submitters, no conflicts (2 of 4 stars). 2 submissions from 2 submitters: Uncertain significance (2). Last evaluated 2024-02-23.

Conditions:
Hereditary spastic paraplegia 48. Also called: Spastic paraplegia 48; SPASTIC PARAPLEGIA 48, AUTOSOMAL RECESSIVE. Identifiers: Orphanet 306511, MedGen C3150901, MONDO:0013342, OMIM 613647.
Inborn genetic diseases. Identifiers: MedGen C0950123, MeSH D030342.

Allele frequency attached by ClinVar (database versions not stated): ExAC 0.00003; gnomAD 0.00003; ESP Exome Variant Server 0.00016.
gnomAD v4.1: 28 of 1,613,002 alleles (0.0017%); highest among the groups gnomAD compares: East Asian, 0.0045%; no homozygotes.

Submissions (2):

Labcorp Genetics (formerly Invitae), Labcorp
Classification: Uncertain significance for Hereditary spastic paraplegia 48. Last evaluated: 2024-02-23. Review status: criteria provided, single submitter. Criteria: Invitae Variant Classification Sherloc (09022015). Collection method: clinical testing. Allele origin: germline.
Comment: This sequence change replaces glutamine, which is neutral and polar, with glutamic acid, which is acidic and polar, at codon 390 of the AP5Z1 protein (p.Gln390Glu). This variant is present in population databases (rs377565484, gnomAD 0.01%). This variant has not been reported in the literature in individuals affected with AP5Z1-related conditions. ClinVar contains an entry for this variant (Variation ID: 2146462). Advanced modeling of protein sequence and biophysical properties (such as structural, functional, and spatial information, amino acid conservation, physicochemical variation, residue mobility, and thermodynamic stability) performed at Invitae indicates that this missense variant is not expected to disrupt AP5Z1 protein function with a negative predictive value of 80%. In summary, the available evidence is currently insufficient to determine the role of this variant in disease. Therefore, it has been classified as a Variant of Uncertain Significance.

Ambry Genetics
Classification: Uncertain significance for Inborn genetic diseases. Last evaluated: 2023-05-17. Review status: criteria provided, single submitter. Criteria: Ambry Variant Classification Scheme 2023. Collection method: clinical testing. Allele origin: germline.